The following is an entry in ClinVar:

ClinVar aggregate classification (germline): Likely benign. Review status: criteria provided, multiple submitters, no conflicts (2 of 4 stars). 4 submissions from 4 submitters: Likely benign (4). Last evaluated 2025-12-03.

Conditions:
Inborn genetic diseases. Identifiers: MedGen C0950123, MeSH D030342.

Submissions (4):

Labcorp Genetics (formerly Invitae), Labcorp
Classification: Likely benign. Last evaluated: 2025-12-03. Review status: criteria provided, single submitter. Criteria: Invitae Variant Classification Sherloc (09022015). Collection method: clinical testing. Allele origin: germline.

CeGaT Center for Human Genetics Tuebingen
Classification: Likely benign. Last evaluated: 2025-12-01. Review status: criteria provided, single submitter. Criteria: CeGaT Center For Human Genetics Tuebingen Variant Classification Criteria Version 2. Collection method: clinical testing. Allele origin: germline. Affected: yes. Observed: 1 variant allele.
Comment: KAT6A: BS2

Ambry Genetics
Classification: Likely benign for Inborn genetic diseases. Last evaluated: 2022-09-16. Review status: criteria provided, single submitter. Criteria: Ambry Variant Classification Scheme 2023. Collection method: clinical testing. Allele origin: germline.

GeneDx
Classification: Likely benign. Last evaluated: 2021-09-08. Review status: criteria provided, single submitter. Criteria: GeneDx Variant Classification Process June 2021. Collection method: clinical testing. Allele origin: germline. Affected: yes.

NM_006766.5(KAT6A):c.5019ACC[3] (p.Pro1675dup)

Gene: KAT6A (lysine acetyltransferase 6A; minus strand). Cytogenetic location: 8p11.21.
Variant type: Microsatellite.
Coding change: c.5019ACC[3] on transcript NM_006766.5 (MANE Select); three copies in a row of the 3-base unit ACC starting at c.5019; the reference has two copies in a row; one copy, 3 bases duplicated.
Protein change: p.Pro1675dup; duplicates proline 1675.
Molecular consequence: inframe insertion.
Genome position (GRCh38, 1-based): chr8:41,933,196-41,933,198, GGT duplicated on the plus strand (ACC on the coding strand, the reverse complement: KAT6A is on the minus strand); duplicating any 3 consecutive bases within chr8:41,933,196-41,933,203 gives the same sequence; the position shown is the placement nearest the transcript's 3' end. VCF-style (leftmost placement, unchanged base first): chr8-41933195-G-GGGT. GRCh37 (hg19) VCF-style: chr8-41790713-G-GGGT.
Other names: c.5022_5024dupACC (NM_006766.3).
Identifiers: ClinVar variation 589573 (VCV000589573.17), dbSNP rs758188280, ClinGen allele CA4729375.